The following is an entry in ClinVar:

NM_016013.4(NDUFAF1):c.35A>G (p.Tyr12Cys)

Gene: NDUFAF1 (NADH:ubiquinone oxidoreductase complex assembly factor 1; minus strand). Cytogenetic location: 15q15.1.
Variant type: single nucleotide variant.
Coding change: c.35A>G on transcript NM_016013.4 (MANE Select); coding-DNA position 35, A replaced by G.
Protein change: p.Tyr12Cys; replaces tyrosine 12 with cysteine.
Molecular consequence: missense variant. On other transcripts: non-coding transcript variant (1).
Genome position (GRCh38, 1-based): chr15:41,397,025, T>C on the plus strand (A>G on the coding strand, the complement: NDUFAF1 is on the minus strand). VCF-style: chr15-41397025-T-C. GRCh37 (hg19) VCF-style: chr15-41689223-T-C.
Other names: p.Y12C:TAT>TGT; short protein forms Y12C.
Identifiers: ClinVar variation 214734 (VCV000214734.5), dbSNP rs751703770, ClinGen allele CA321550.

ClinVar aggregate classification (germline): Uncertain significance. Review status: criteria provided, multiple submitters, no conflicts (2 of 4 stars). 2 submissions from 2 submitters: Uncertain significance (2). Last evaluated 2025-05-13.

Allele frequency attached by ClinVar (database versions not stated): gnomAD below 0.00001 and 0.00004; TOPMed 0.00002; gnomAD exomes 0.00009 and 0.00013; ExAC 0.00018.

Submissions (2):

Ambry Genetics
Classification: Uncertain significance. Last evaluated: 2025-05-13. Review status: criteria provided, single submitter. Criteria: Ambry Variant Classification Scheme 2023. Collection method: clinical testing. Allele origin: germline.

GeneDx
Classification: Uncertain significance. Last evaluated: 2017-12-04. Review status: criteria provided, single submitter. Criteria: GeneDx Variant Classification (06012015). Collection method: clinical testing. Allele origin: germline. Affected: yes.
Comment: p.Tyr12Cys (TAT>TGT): c.35 A>G in exon 2 of the NDUFAF1 gene (NM_016013.2). The Y12C missense substitution has not been published as a mutation, nor has it been reported as a benign polymorphism to our knowledge. Mutations in the NDUFAF1 gene are associated with the autosomal recessive disorder mitochondrial complex I deficiency. The amino acid change is semi-conservative in that both Tyrosine and Cysteine are uncharged, polar amino acids; however, the introduction of a Cysteine residue may affect disulfide bonds in the NDUFAF1 protein. This change occurs at a position in the NDUFAF1 gene that is not highly conserved. In-silico analyses are not consistent in their predictions of whether or not Y12C is damaging to the NDUFAF1 protein. Therefore, based on the currently available information, it is unclear whether Y12C is a disease-causing mutation or a rare benign variant. The variant is found in MITONUC-MITOP panel(s).